The following is an entry in ClinVar:

ClinVar aggregate classification (germline): Uncertain significance (1 of 4 stars; one submission).

Submission:

Labcorp Genetics (formerly Invitae), Labcorp
Classification: Uncertain significance. Last evaluated: 2025-08-04. Review status: criteria provided, single submitter. Criteria: Invitae Variant Classification Sherloc (09022015). Collection method: clinical testing. Allele origin: germline.
Comment: This sequence change replaces proline, which is neutral and non-polar, with alanine, which is neutral and non-polar, at codon 786 of the KMT2A protein (p.Pro786Ala). This variant is present in population databases (rs782547369, gnomAD 0.006%). This variant has not been reported in the literature in individuals affected with KMT2A-related conditions. Invitae Evidence Modeling of protein sequence and biophysical properties (such as structural, functional, and spatial information, amino acid conservation, physicochemical variation, residue mobility, and thermodynamic stability) has been performed for this missense variant. However, the output from this modeling did not meet the statistical confidence thresholds required to predict the impact of this variant on KMT2A protein function. In summary, the available evidence is currently insufficient to determine the role of this variant in disease. Therefore, it has been classified as a Variant of Uncertain Significance.

NM_001197104.2(KMT2A):c.2356C>G (p.Pro786Ala)

Gene: KMT2A (lysine methyltransferase 2A; plus strand). Cytogenetic location: 11q23.3.
Variant type: single nucleotide variant.
Coding change: c.2356C>G on transcript NM_001197104.2 (MANE Select); coding-DNA position 2356, C replaced by G.
Protein change: p.Pro786Ala; replaces proline 786 with alanine.
Molecular consequence: missense variant.
Genome position (GRCh38, 1-based): chr11:118,473,515, C>G. VCF-style: chr11-118473515-C-G. GRCh37 (hg19) VCF-style: chr11-118344230-C-G.
Other names: c.2455C>G, p.Pro819Ala (NM_001412597.1); c.2356C>G, p.Pro786Ala (NM_005933.4); short protein forms P819A, P786A.
Identifiers: ClinVar variation 4760585 (VCV004760585.1).